The following is an entry in ClinVar:

NM_002317.7(LOX):c.1102G>A (p.Asp368Asn)

Genes: LOX (lysyl oxidase; minus strand), SRFBP1 (serum response factor binding protein 1; plus strand). Cytogenetic location: 5q23.1.
Variant type: single nucleotide variant.
Coding change: c.1102G>A on transcript NM_002317.7 (MANE Select); coding-DNA position 1102, G replaced by A.
Protein change: p.Asp368Asn; replaces aspartic acid 368 with asparagine.
Molecular consequence: missense variant.
Genome position (GRCh38, 1-based): chr5:122,070,523, C>T on the plus strand (G>A on the coding strand, the complement: LOX is on the minus strand). VCF-style: chr5-122070523-C-T. GRCh37 (hg19) VCF-style: chr5-121406218-C-T.
Other names: c.412G>A, p.Asp138Asn (NM_001178102.2); c.211G>A, p.Asp71Asn (NM_001317073.1); c.1102G>A (NM_002317.5); short protein forms D138N, D368N, D71N.
Identifiers: ClinVar variation 2582583 (VCV002582583.3), dbSNP rs775459586, ClinGen allele CA3383850.

ClinVar aggregate classification (germline): Uncertain significance. Review status: criteria provided, multiple submitters, no conflicts (2 of 4 stars). 3 submissions from 3 submitters: Uncertain significance (3). Last evaluated 2025-12-01.

Conditions:
Aortic aneurysm, familial thoracic 10 (AAT10). Identifiers: MedGen C4284414, MONDO:0014950, OMIM 617168.
Cardiovascular phenotype. Identifiers: MedGen CN230736.

Allele frequency attached by ClinVar (database versions not stated): ExAC 0.00001; TOPMed 0.00001; gnomAD exomes 0.00002; gnomAD 0.00003.
gnomAD v4.1: 28 of 1,607,036 alleles (0.0017%); highest among the groups gnomAD compares: African/African-American, 0.0027%; no homozygotes.

Submissions (3):

Ambry Genetics
Classification: Uncertain significance for Cardiovascular phenotype. Last evaluated: 2025-12-01. Review status: criteria provided, single submitter. Criteria: Ambry Variant Classification Scheme 2023. Collection method: clinical testing. Allele origin: germline.
Comment: The p.D368N variant (also known as c.1102G>A), located in coding exon 5 of the LOX gene, results from a G to A substitution at nucleotide position 1102. The aspartic acid at codon 368 is replaced by asparagine, an amino acid with highly similar properties. This amino acid position is highly conserved in available vertebrate species. In addition, this alteration is predicted to be tolerated by in silico analysis. Based on the available evidence, the clinical significance of this variant remains unclear.

Blueprint Genetics
Classification: Uncertain significance. Last evaluated: 2024-10-04. Review status: criteria provided, single submitter. Criteria: ACMG Guidelines, 2015. Collection method: clinical testing. Allele origin: germline.

Baylor Genetics
Classification: Uncertain significance for Aortic aneurysm, familial thoracic 10. Last evaluated: 2023-05-09. Review status: criteria provided, single submitter. Criteria: ACMG Guidelines, 2015. Collection method: clinical testing. Allele origin: unknown.